The following is an entry in ClinVar:

NM_001267550.2(TTN):c.11311+2381T>C

Gene: TTN (titin; minus strand). Cytogenetic location: 2q31.2.
Variant type: single nucleotide variant.
Coding change: c.11311+2381T>C on transcript NM_001267550.2 (MANE Select); 2381 bases into the intron after coding-DNA position 11311, T replaced by C.
Molecular consequence: intron variant. On other transcripts: missense variant (1).
Genome position (GRCh38, 1-based): chr2:178,750,743, A>G on the plus strand (T>C on the coding strand, the complement: TTN is on the minus strand). VCF-style: chr2-178750743-A-G. GRCh37 (hg19) VCF-style: chr2-179615470-A-G.
Other names: c.11657T>C, p.Leu3886Pro (NM_133379.5); c.10222+2381T>C (NM_003319.4); c.10798+2381T>C (NM_133437.4); c.10597+2381T>C (NM_133432.3); c.10360+2381T>C (NM_133378.4, NM_001256850.1); short protein forms L3886P.
Identifiers: ClinVar variation 4988891 (VCV004988891.1).
Genomic context (GRCh38, chr2:178,750,743, plus strand): 5'-CTCAAATCATCCTTTTTTATTCTTTCACTAGCTATTTCTTCACTTTCTTCAACATTTACA[A>G]GTGTACCAAAAGATTCGCTGGCATGTGGTGTAATAGCTTGAGACACATTTTCAGGAGTCT-3'

ClinVar aggregate classification (germline): Uncertain significance (1 of 4 stars; one submission).

Conditions:
TTN-related disorder. Also called: TTN-related disorders; TTN-related condition; TTN-related disease.

gnomAD v4.1: 30 of 1,613,002 alleles (0.0019%); highest among the groups gnomAD compares: Non-Finnish European, 0.0025%; no homozygotes.

Submission:

PreventionGenetics, part of Exact Sciences
Classification: Uncertain significance for TTN-related condition. Last evaluated: 2026-01-02. Review status: criteria provided, single submitter. Criteria: ACMG Guidelines, 2015. Collection method: clinical testing. Allele origin: germline.
Comment: The TTN c.11311+2381T>C variant is predicted to interfere with splicing. This variant is also referred to as c.11657T>C (p.Leu3886Pro) in the Novex-3 transcript NM_133379. This variant is located in exon 46 of the Novex-3 transcript (minor small cardiac isoform) which is the last exon of this transcript. This exon is not included in any other TTN transcripts (principle cardiac or skeletal muscle isoforms). To our knowledge, this variant has not been reported in the literature. This variant is reported in 0.0018% of alleles in individuals of European (Non-Finnish) descent in gnomAD. At this time, the clinical significance of this variant is uncertain due to the absence of conclusive functional and genetic evidence.